The following is an entry in ClinVar:

NM_176787.5(PIGN):c.1102C>T (p.Leu368Phe)

Gene: PIGN (phosphatidylinositol glycan anchor biosynthesis class N; minus strand). Cytogenetic location: 18q21.33.
Variant type: single nucleotide variant.
Coding change: c.1102C>T on transcript NM_176787.5 (MANE Select); coding-DNA position 1102, C replaced by T.
Protein change: p.Leu368Phe; replaces leucine 368 with phenylalanine.
Molecular consequence: missense variant.
Genome position (GRCh38, 1-based): chr18:62,138,997, G>A on the plus strand (C>T on the coding strand, the complement: PIGN is on the minus strand). VCF-style: chr18-62138997-G-A. GRCh37 (hg19) VCF-style: chr18-59806230-G-A.
Other names: c.1102C>T, p.Leu368Phe (NM_012327.6); short protein forms L368F.
Identifiers: ClinVar variation 588367 (VCV000588367.20), dbSNP rs142508030, ClinGen allele CA8982399.

ClinVar aggregate classification (germline): Conflicting classifications of pathogenicity. Review status: criteria provided, conflicting classifications (1 of 4 stars). 3 submissions from 3 submitters: Uncertain significance (1); Benign (1); Likely benign (1). Last evaluated 2025-07-30.

Conditions:
Inborn genetic diseases. Identifiers: MedGen C0950123, MeSH D030342.
Multiple congenital anomalies-hypotonia-seizures syndrome 1 (MCAHS1). Also called: Congenital disorder of glycosylation due to PIGN deficiency; PIGN-CDG; GLYCOSYLPHOSPHATIDYLINOSITOL BIOSYNTHESIS DEFECT 3. Identifiers: Orphanet 280633, MedGen C3279775, MONDO:0013563, OMIM 614080.

Allele frequency attached by ClinVar (database versions not stated): ExAC 0.00035; TOPMed 0.00025; gnomAD 0.00013 and 0.00008; gnomAD exomes 0.00025; 1000 Genomes Project 30x 0.00141; 1000 Genomes Project 0.00100.

Submissions (3):

Labcorp Genetics (formerly Invitae), Labcorp
Classification: Likely benign for Multiple congenital anomalies-hypotonia-seizures syndrome 1. Last evaluated: 2025-07-30. Review status: criteria provided, single submitter. Criteria: Invitae Variant Classification Sherloc (09022015). Collection method: clinical testing. Allele origin: germline.

GeneDx
Classification: Uncertain significance. Last evaluated: 2023-03-21. Review status: criteria provided, single submitter. Criteria: GeneDx Variant Classification Process June 2021. Collection method: clinical testing. Allele origin: germline. Affected: yes.
Comment: In silico analysis supports that this missense variant has a deleterious effect on protein structure/function; Has not been previously published as pathogenic or benign to our knowledge

Ambry Genetics
Classification: Benign for Inborn genetic diseases. Last evaluated: 2016-10-19. Review status: criteria provided, single submitter. Criteria: Ambry Variant Classification Scheme 2023. Collection method: clinical testing. Allele origin: germline.